The following is an entry in ClinVar:

ClinVar aggregate classification (germline): Uncertain significance (1 of 4 stars; one submission).

Allele frequency attached by ClinVar (database versions not stated): TOPMed below 0.00001; ExAC 0.00001; gnomAD exomes 0.00001 and 0.00002.
gnomAD v4.1: 5 of 1,614,004 alleles (0.00031%); highest among the groups gnomAD compares: Admixed American, 0.0083%; no homozygotes.

Submission:

Labcorp Genetics (formerly Invitae), Labcorp
Classification: Uncertain significance. Last evaluated: 2022-05-19. Review status: criteria provided, single submitter. Criteria: Invitae Variant Classification Sherloc (09022015). Collection method: clinical testing. Allele origin: germline.
Comment: In summary, the available evidence is currently insufficient to determine the role of this variant in disease. Therefore, it has been classified as a Variant of Uncertain Significance. Advanced modeling of protein sequence and biophysical properties (such as structural, functional, and spatial information, amino acid conservation, physicochemical variation, residue mobility, and thermodynamic stability) performed at Invitae indicates that this missense variant is not expected to disrupt AARS2 protein function. This variant has not been reported in the literature in individuals affected with AARS2-related conditions. This sequence change replaces alanine, which is neutral and non-polar, with threonine, which is neutral and polar, at codon 890 of the AARS2 protein (p.Ala890Thr). This variant is present in population databases (rs752797271, gnomAD 0.01%).

NM_020745.4(AARS2):c.2668G>A (p.Ala890Thr)

Gene: AARS2 (alanyl-tRNA synthetase 2, mitochondrial; minus strand). Cytogenetic location: 6p21.1.
Variant type: single nucleotide variant.
Coding change: c.2668G>A on transcript NM_020745.4 (MANE Select); coding-DNA position 2668, G replaced by A.
Protein change: p.Ala890Thr; replaces alanine 890 with threonine.
Molecular consequence: missense variant.
Genome position (GRCh38, 1-based): chr6:44,301,395, C>T on the plus strand (G>A on the coding strand, the complement: AARS2 is on the minus strand). VCF-style: chr6-44301395-C-T. GRCh37 (hg19) VCF-style: chr6-44269132-C-T.
Other names: short protein forms A890T.
Identifiers: ClinVar variation 1429819 (VCV001429819.7), dbSNP rs752797271, ClinGen allele CA3833896.